The following is an entry in ClinVar:

NM_006445.4(PRPF8):c.4780_4784del (p.Cys1594fs)

Gene: PRPF8 (pre-mRNA processing factor 8; minus strand). Cytogenetic location: 17p13.3.
Variant type: Deletion.
Coding change: c.4780_4784del on transcript NM_006445.4 (MANE Select); coding-DNA positions 4780 to 4784, 5 bases deleted (TGTCA; older notation c.4780_4784delTGTCA).
Protein change: p.Cys1594fs; shifts the reading frame from cysteine 1594.
Molecular consequence: frameshift variant.
Genome position (GRCh38, 1-based): chr17:1,660,433-1,660,437, TGACA deleted on the plus strand (TGTCA on the coding strand, the reverse complement: PRPF8 is on the minus strand); deleting any 5 consecutive bases within chr17:1,660,433-1,660,438 gives the same sequence; the c. name uses the placement nearest the transcript's 3' end. VCF-style (leftmost placement, unchanged base first): chr17-1660432-CTGACA-C. GRCh37 (hg19) VCF-style: chr17-1563726-CTGACA-C.
Other names: short protein forms C1594fs.
Identifiers: ClinVar variation 1010385 (VCV001010385.5), dbSNP rs1911622593, ClinGen allele CA2242971820.

ClinVar aggregate classification (germline): Pathogenic (1 of 4 stars; one submission).

Submission:

Labcorp Genetics (formerly Invitae), Labcorp
Classification: Pathogenic. Last evaluated: 2024-04-17. Review status: criteria provided, single submitter. Criteria: Invitae Variant Classification Sherloc (09022015). Collection method: clinical testing. Allele origin: germline.
Comment: This sequence change creates a premature translational stop signal (p.Cys1594Glyfs*3) in the PRPF8 gene. It is expected to result in an absent or disrupted protein product. Loss-of-function variants in PRPF8 are known to be pathogenic (PMID: 27208204, 31054281, 33946315). This variant is not present in population databases (gnomAD no frequency). This variant has not been reported in the literature in individuals affected with PRPF8-related conditions. ClinVar contains an entry for this variant (Variation ID: 1010385). For these reasons, this variant has been classified as Pathogenic.

Literature cited by the submitters: PubMed 27208204; PubMed 31054281; PubMed 33946315.